The following is an entry in ClinVar:

ClinVar aggregate classification (germline): Uncertain significance. Review status: criteria provided, multiple submitters, no conflicts (2 of 4 stars). 2 submissions from 2 submitters: Uncertain significance (2). Last evaluated 2025-09-19.

Conditions:
TNNI3K-related disorder. Also called: TNNI3K-related condition.

gnomAD v4.1: 1 of 1,614,184 alleles (0.000062%); highest among the groups gnomAD compares: Non-Finnish European, 0.000085%; no homozygotes.

Submissions (2):

Labcorp Genetics (formerly Invitae), Labcorp
Classification: Uncertain significance. Last evaluated: 2025-09-19. Review status: criteria provided, single submitter. Criteria: Invitae Variant Classification Sherloc (09022015). Collection method: clinical testing. Allele origin: germline.
Comment: This sequence change creates a premature translational stop signal (p.Trp702*) in the TNNI3K gene. It is expected to result in an absent or disrupted protein product. However, the current clinical and genetic evidence is not sufficient to establish whether loss-of-function variants in TNNI3K cause disease. This variant is not present in population databases (gnomAD no frequency). This variant has not been reported in the literature in individuals affected with TNNI3K-related conditions. In summary, the available evidence is currently insufficient to determine the role of this variant in disease. Therefore, it has been classified as a Variant of Uncertain Significance.

PreventionGenetics, part of Exact Sciences
Classification: Uncertain significance for TNNI3K-related condition. Last evaluated: 2024-10-25. Review status: criteria provided, single submitter. Criteria: ACMG Guidelines, 2015. Collection method: clinical testing. Allele origin: germline.
Comment: The TNNI3K c.2106G>A variant is predicted to result in premature protein termination (p.Trp702*). To our knowledge, this variant has not been reported in the literature or in a large population database (gnomAD), indicating this variant is rare. Loss of function is not an established mechanism of TNNI3K-related disease. At this time, the clinical significance of this variant is uncertain due to the absence of conclusive functional and genetic evidence.

NM_015978.3(TNNI3K):c.2106G>A (p.Trp702Ter)

Genes: FPGT-TNNI3K (FPGT-TNNI3K readthrough; plus strand), TNNI3K (TNNI3 interacting kinase; plus strand). Cytogenetic location: 1p31.1.
Variant type: single nucleotide variant.
Coding change: c.2106G>A on transcript NM_015978.3 (MANE Select); coding-DNA position 2106, G replaced by A.
Protein change: p.Trp702Ter; replaces tryptophan 702 with a stop codon.
Molecular consequence: nonsense.
Genome position (GRCh38, 1-based): chr1:74,463,535, G>A. VCF-style: chr1-74463535-G-A. GRCh37 (hg19) VCF-style: chr1-74929219-G-A.
Other names: c.2409G>A, p.Trp803Ter (NM_001112808.3, NM_001199327.2); c.2106G>A (NM_015978.2); short protein forms W803*, W702*.
Identifiers: ClinVar variation 4753067 (VCV004753067.2).